The following is an entry in ClinVar:

ClinVar aggregate classification (germline): Uncertain significance (1 of 4 stars; one submission).

Conditions:
SIM1-related disorder. Also called: SIM1-related disorders; SIM1-related condition.

Submission:

PreventionGenetics, part of Exact Sciences
Classification: Uncertain significance for SIM1-related condition. Last evaluated: 2026-07-28. Review status: criteria provided, single submitter. Criteria: ACMG Guidelines, 2015. Collection method: clinical testing. Allele origin: germline.
Comment: The SIM1 c.20dupA variant is predicted to result in a frameshift and premature protein termination (p.Asn7Lysfs*6). To our knowledge, this variant has not been reported in the literature or in a large population database (gnomAD), indicating this variant is rare. Chain-terminating variants upstream to the c.20dup variant have not been documented in the literature. Although we suspect that this variant may be pathogenic, at this time, the clinical significance of this variant is uncertain due to the absence of conclusive functional and genetic evidence.

NM_005068.3(SIM1):c.20dup (p.Asn7fs)

Gene: SIM1 (SIM bHLH transcription factor 1; minus strand). Cytogenetic location: 6q16.3.
Variant type: Duplication.
Coding change: c.20dup on transcript NM_005068.3 (MANE Select); coding-DNA position 20, one base duplicated (A; older notation c.20dupA).
Protein change: p.Asn7fs; shifts the reading frame from asparagine 7.
Molecular consequence: frameshift variant.
Genome position (GRCh38, 1-based): chr6:100,463,449, T duplicated on the plus strand (A on the coding strand, the reverse complement: SIM1 is on the minus strand); the first of 5 consecutive T bases (chr6:100,463,449-100,463,453); duplicating any one gives the same sequence. VCF-style (leftmost placement, unchanged base first): chr6-100463448-A-AT. GRCh37 (hg19) VCF-style: chr6-100911324-A-AT.
Other names: c.20dup, p.Asn7fs (NM_001374769.1); short protein forms N7fs.
Identifiers: ClinVar variation 4986724 (VCV004986724.1).